The following is an entry in ClinVar:

NM_000419.5(ITGA2B):c.3020G>T (p.Gly1007Val)

Gene: ITGA2B (integrin subunit alpha 2b; minus strand). Cytogenetic location: 17q21.31.
Variant type: single nucleotide variant.
Coding change: c.3020G>T on transcript NM_000419.5 (MANE Select); coding-DNA position 3020, G replaced by T.
Protein change: p.Gly1007Val; replaces glycine 1007 with valine.
Molecular consequence: missense variant.
Genome position (GRCh38, 1-based): chr17:44,374,394, C>A on the plus strand (G>T on the coding strand, the complement: ITGA2B is on the minus strand). VCF-style: chr17-44374394-C-A. GRCh37 (hg19) VCF-style: chr17-42451762-C-A.
Other names: short protein forms G1007V.
Identifiers: ClinVar variation 1697251 (VCV001697251.3), dbSNP rs2143427279, ClinGen allele CA399789515.

ClinVar aggregate classification (germline): Uncertain significance (0 of 4 stars; one submission).

Conditions:
Platelet-type bleeding disorder 16 (BDPLT16). Also called: Bleeding disorder, platelet-type, 16, autosomal dominant. Identifiers: Orphanet 140957, MedGen C5442010, MONDO:0008552, OMIM 187800.

Submission:

Unidade de Genética Molecular, Centro Hospitalar Universitário do Porto
Classification: Uncertain significance for Platelet-type bleeding disorder 16. Last evaluated: 2022-07-08. Review status: no assertion criteria provided. Collection method: research. Allele origin: paternal. Inheritance: Autosomal dominant inheritance. Affected: yes. Observed: 1 heterozygote.
Comment: VUS(PM2, PP1, PP2, PP3) This variant compromises αIIbβ3 activation induced by TRAP-6 and ADP, as evaluated by the exposition of AIBS (PAC-1) and RIBS (bFG) epitopes, at levels that are somewhat less severe as compared to those observed with variants that might interfere with the αIIb: p.Arg1026 / β3: p.Asp749 salt bridge.

Literature cited by the submitters: DOI 10.1371/journal.pone.0235136.